The following is an entry in ClinVar:

ClinVar aggregate classification (germline): Pathogenic (1 of 4 stars; one submission).

Submission:

Dasa
Classification: Pathogenic. Last evaluated: 2025-10-22. Review status: criteria provided, single submitter. Criteria: DASA Assertion Criteria. Collection method: clinical testing. Allele origin: germline.
Comment: NM_004183.4(BEST1):c.868-2A>G introduces a premature termination codon predicted to result in loss of normal protein function. Loss-of-function is an established mechanism of disease for this gene. This variant results in the same amino acid change as a previously established pathogenic variant. This variant has been observed in affected individuals with related phenotype in a genotype context consistent with recessive disease. The variant is present at low frequency in population datasets. Based on the available data, this variant is classified as pathogenic.

NM_004183.4(BEST1):c.868-2A>G

Gene: BEST1 (bestrophin 1; plus strand). Cytogenetic location: 11q12.3.
Variant type: single nucleotide variant.
Coding change: c.868-2A>G on transcript NM_004183.4 (MANE Select); the canonical splice acceptor site of the intron before coding-DNA position 868, A replaced by G.
Molecular consequence: splice acceptor variant. On other transcripts: intron variant (4).
Genome position (GRCh38, 1-based): chr11:61,959,496, A>G. VCF-style: chr11-61959496-A-G. GRCh37 (hg19) VCF-style: chr11-61726968-A-G.
Other names: c.1071-2A>G (NM_001363592.2); c.868-2A>G (NM_001440571.1); c.868-396A>G (NM_001440572.1); c.715-2A>G (NM_001440573.1); c.688-2A>G (NM_001139443.3, NM_001300787.2); c.688-396A>G (NM_001440574.1, NM_001300786.2); c.535-2A>G (NM_001440575.1); c.535-396A>G (NM_001440576.1); and 2 more.
Identifiers: ClinVar variation 4851980 (VCV004851980.1).
Genomic context (GRCh38, chr11:61,959,496, plus strand): 5'-AGGGGGAAGCTGGCTTTGAGGAGTTCTGCCTGAGGGTTTACAGAGCCTCACCTGTCCCCA[A>G]GGTGGCAGAGCAGCTCATCAACCCCTTTGGAGAGGATGATGATGATTTTGAGACCAACTG-3'